The following is an entry in ClinVar:

NM_000038.6(APC):c.3559dup (p.Ile1187fs)

Gene: APC (APC regulator of Wnt signaling pathway; plus strand). Cytogenetic location: 5q22.2.
Variant type: Duplication.
Coding change: c.3559dup on transcript NM_000038.6 (MANE Select); coding-DNA position 3559, one base duplicated (A; older notation c.3559dupA).
Protein change: p.Ile1187fs; shifts the reading frame from isoleucine 1187.
Molecular consequence: frameshift variant. On other transcripts: non-coding transcript variant (2).
Genome position (GRCh38, 1-based): chr5:112,839,153, A duplicated. VCF-style (leftmost placement, unchanged base first): chr5-112839152-T-TA. GRCh37 (hg19) VCF-style: chr5-112174849-T-TA.
Other names: c.3559dup, p.Ile1187fs (NM_001127510.3, NM_001354895.2, NM_001407450.1); c.3505dup, p.Ile1169fs (NM_001127511.3); c.3613dup, p.Ile1205fs (NM_001354896.2, NM_001407447.1, NM_001407448.1 and 1 more transcripts); c.3589dup, p.Ile1197fs (NM_001354897.2); c.3484dup, p.Ile1162fs (NM_001354898.2); c.3475dup, p.Ile1159fs (NM_001354899.2); c.3436dup, p.Ile1146fs (NM_001354900.2); c.3382dup, p.Ile1128fs (NM_001354901.2, NM_001407453.1); and 11 more; short protein forms I1027fs, I1058fs, I1061fs, I1086fs, I1096fs, I1104fs, I1128fs, I1146fs.
Identifiers: ClinVar variation 2500327 (VCV002500327.1), dbSNP rs2533507734, ClinGen allele CA658760941.

ClinVar aggregate classification (germline): Pathogenic (1 of 4 stars; one submission).

Conditions:
Familial adenomatous polyposis 1 (FAP1). Also called: FAMILIAL ADENOMATOUS POLYPOSIS 1, ATTENUATED; POLYPOSIS, ADENOMATOUS INTESTINAL. Identifiers: MedGen C2713442, MONDO:0021056, OMIM 175100. Disease mechanism: loss of function.

Submission:

Institute of Human Genetics, University of Leipzig Medical Center
Classification: Pathogenic for Familial adenomatous polyposis 1. Last evaluated: 2023-02-20. Review status: criteria provided, single submitter. Criteria: ACMG Guidelines, 2015. Collection method: clinical testing. Allele origin: unknown. Affected: yes.
Comment: _x000D_ Criteria applied: PVS1, PS4_SUP, PM2_SUP